The following is an entry in ClinVar:

ClinVar aggregate classification (germline): Benign (0 of 4 stars; one submission).

Conditions:
SEMA4D-related disorder. Also called: SEMA4D-related condition.

Allele frequency attached by ClinVar (database versions not stated): gnomAD exomes 0.03605; gnomAD 0.04103; ESP Exome Variant Server 0.04175; ExAC 0.04296; 1000 Genomes Project 30x 0.06074; 1000 Genomes Project 0.06390.
gnomAD v4.1: 59,205 of 1,614,110 alleles (3.7%); highest among the groups gnomAD compares: East Asian, 12%; 1,631 homozygotes.

Submission:

PreventionGenetics, part of Exact Sciences
Classification: Benign for SEMA4D-related condition. Last evaluated: 2019-02-23. Review status: no assertion criteria provided. Collection method: clinical testing. Allele origin: germline.
Comment: This variant is classified as benign based on ACMG/AMP sequence variant interpretation guidelines (Richards et al. 2015 PMID: 25741868, with internal and published modifications).

NM_001371194.2(SEMA4D):c.2484G>A (p.Thr828=)

Gene: SEMA4D (semaphorin 4D; minus strand). Cytogenetic location: 9q22.2.
Variant type: single nucleotide variant.
Coding change: c.2484G>A on transcript NM_001371194.2 (MANE Select); coding-DNA position 2484, G replaced by A.
Protein change: p.Thr828=; no amino-acid change (threonine 828 retained).
Molecular consequence: synonymous variant. On other transcripts: intron variant (6).
Genome position (GRCh38, 1-based): chr9:89,378,809, C>T on the plus strand (G>A on the coding strand, the complement: SEMA4D is on the minus strand). VCF-style: chr9-89378809-C-T. GRCh37 (hg19) VCF-style: chr9-91993724-C-T.
Other names: c.2484G>A, p.Thr828= (NM_001371195.1, NM_001371196.1, NM_001371197.1 and 1 more transcripts); c.1664-1758G>A (NM_001371198.1, NM_001371201.1, NM_001371202.1 and 3 more transcripts).
Identifiers: ClinVar variation 3056145 (VCV003056145.2), dbSNP rs45483393, ClinGen allele CA5118088.
Genomic context (GRCh38, chr9:89,378,809, plus strand): 5'-GACGTCAAAGGGCTTGTCCCTGGCAGAAAGGTCGTCGATCCTCTGTGAGTCCTCCCTATC[C>T]GTGGGGACTTTGCTGGTGATGGTGTCTTGCTCGGTCTCATAGCCGGTGTCCAGGGCTGGC-3'
Protein context (NP_001358123.1, residues 818-838): EQDTITSKVP[Thr828=]DREDSQRIDD